The following is an entry in ClinVar:

ClinVar aggregate classification (germline): Uncertain significance (1 of 4 stars; one submission).

gnomAD v4.1: 7 of 1,210,975 alleles (0.00058%); highest among the groups gnomAD compares: Non-Finnish European, 0.00078%; no homozygotes.

Submission:

Labcorp Genetics (formerly Invitae), Labcorp
Classification: Uncertain significance. Last evaluated: 2024-12-08. Review status: criteria provided, single submitter. Criteria: Invitae Variant Classification Sherloc (09022015). Collection method: clinical testing. Allele origin: germline.
Comment: This sequence change replaces arginine, which is basic and polar, with tryptophan, which is neutral and slightly polar, at codon 109 of the FGD1 protein (p.Arg109Trp). This variant is not present in population databases (gnomAD no frequency). This variant has not been reported in the literature in individuals affected with FGD1-related conditions. Invitae Evidence Modeling of protein sequence and biophysical properties (such as structural, functional, and spatial information, amino acid conservation, physicochemical variation, residue mobility, and thermodynamic stability) has been performed for this missense variant. However, the output from this modeling did not meet the statistical confidence thresholds required to predict the impact of this variant on FGD1 protein function. In summary, the available evidence is currently insufficient to determine the role of this variant in disease. Therefore, it has been classified as a Variant of Uncertain Significance.

NM_004463.3(FGD1):c.325C>T (p.Arg109Trp)

Gene: FGD1 (FYVE, RhoGEF and PH domain containing 1; minus strand). Cytogenetic location: Xp11.22.
Variant type: single nucleotide variant.
Coding change: c.325C>T on transcript NM_004463.3 (MANE Select); coding-DNA position 325, C replaced by T.
Protein change: p.Arg109Trp; replaces arginine 109 with tryptophan.
Molecular consequence: missense variant.
Genome position (GRCh38, 1-based): chrX:54,471,470, G>A on the plus strand (C>T on the coding strand, the complement: FGD1 is on the minus strand). VCF-style: chrX-54471470-G-A. GRCh37 (hg19) VCF-style: chrX-54497903-G-A.
Other names: short protein forms R109W.
Identifiers: ClinVar variation 3689660 (VCV003689660.2).